The following is an entry in ClinVar:

NM_001083926.2(ASRGL1):c.50A>G (p.Lys17Arg)

Gene: ASRGL1 (asparaginase and isoaspartyl peptidase 1; plus strand). Cytogenetic location: 11q12.3.
Variant type: single nucleotide variant.
Coding change: c.50A>G on transcript NM_001083926.2 (MANE Select); coding-DNA position 50, A replaced by G.
Protein change: p.Lys17Arg; replaces lysine 17 with arginine.
Molecular consequence: missense variant.
Genome position (GRCh38, 1-based): chr11:62,338,027, A>G. VCF-style: chr11-62338027-A-G. GRCh37 (hg19) VCF-style: chr11-62105499-A-G.
Other names: c.50A>G (NM_001083926.1); c.50A>G, p.Lys17Arg (NM_025080.4); short protein forms K17R.
Identifiers: ClinVar variation 2971348 (VCV002971348.4), dbSNP rs543873786, ClinGen allele CA6043078.

ClinVar aggregate classification (germline): Uncertain significance. Review status: criteria provided, multiple submitters, no conflicts (2 of 4 stars). 2 submissions from 2 submitters: Uncertain significance (2). Last evaluated 2024-05-08.

Allele frequency attached by ClinVar (database versions not stated): gnomAD exomes below 0.00001; ExAC 0.00001; TOPMed 0.00005; gnomAD 0.00008; 1000 Genomes Project 0.00020; 1000 Genomes Project 30x 0.00031.
gnomAD v4.1: 17 of 1,608,020 alleles (0.0011%); highest among the groups gnomAD compares: African/African-American, 0.021%; no homozygotes.

Submissions (2):

Ambry Genetics
Classification: Uncertain significance. Last evaluated: 2024-05-08. Review status: criteria provided, single submitter. Criteria: Ambry Variant Classification Scheme 2023. Collection method: clinical testing. Allele origin: germline.

Labcorp Genetics (formerly Invitae), Labcorp
Classification: Uncertain significance. Last evaluated: 2023-11-20. Review status: criteria provided, single submitter. Criteria: Invitae Variant Classification Sherloc (09022015). Collection method: clinical testing. Allele origin: germline.
Comment: This sequence change replaces lysine, which is basic and polar, with arginine, which is basic and polar, at codon 17 of the ASRGL1 protein (p.Lys17Arg). This variant is present in population databases (rs543873786, gnomAD 0.04%). This variant has not been reported in the literature in individuals affected with ASRGL1-related conditions. An algorithm developed to predict the effect of missense changes on protein structure and function (PolyPhen-2) suggests that this variant is likely to be tolerated. In summary, the available evidence is currently insufficient to determine the role of this variant in disease. Therefore, it has been classified as a Variant of Uncertain Significance.